The following is an entry in ClinVar:

ClinVar aggregate classification (germline): Uncertain significance (1 of 4 stars; one submission).

Conditions:
Epilepsy, childhood absence, susceptibility to, 1. Also called: Epilepsy, childhood absence 1. Identifiers: Orphanet 64280, MedGen C1838604, MONDO:0020759, OMIM 600131.
Epilepsy, childhood absence, susceptibility to, 5. Identifiers: Orphanet 64280, MedGen C2677087, MONDO:0012843, OMIM 612269.

Submission:

Labcorp Genetics (formerly Invitae), Labcorp
Classification: Uncertain significance for Epilepsy, childhood absence, susceptibility to, 5; Epilepsy, childhood absence, susceptibility to, 1. Last evaluated: 2022-08-22. Review status: criteria provided, single submitter. Criteria: Invitae Variant Classification Sherloc (09022015). Collection method: clinical testing. Allele origin: germline.
Comment: This variant has not been reported in the literature in individuals affected with GABRB3-related conditions. Algorithms developed to predict the effect of sequence changes on RNA splicing suggest that this variant may create or strengthen a splice site. In summary, the available evidence is currently insufficient to determine the role of this variant in disease. Therefore, it has been classified as a Variant of Uncertain Significance. This variant is not present in population databases (gnomAD no frequency). This sequence change falls in intron 1 of the GABRB3 gene. It does not directly change the encoded amino acid sequence of the GABRB3 protein.

NM_000814.6(GABRB3):c.80+15G>A

Gene: GABRB3 (gamma-aminobutyric acid type A receptor subunit beta3; minus strand). Cytogenetic location: 15q12.
Variant type: single nucleotide variant.
Coding change: c.80+15G>A on transcript NM_000814.6 (MANE Select); 15 bases into the intron after coding-DNA position 80, G replaced by A.
Molecular consequence: intron variant.
Genome position (GRCh38, 1-based): chr15:26,772,868, C>T on the plus strand (G>A on the coding strand, the complement: GABRB3 is on the minus strand). VCF-style: chr15-26772868-C-T. GRCh37 (hg19) VCF-style: chr15-27018015-C-T.
Other names: c.81-96G>A (NM_021912.5); c.-272+15G>A (NM_001278631.2).
Identifiers: ClinVar variation 2076757 (VCV002076757.4), dbSNP rs2504095700, ClinGen allele CA2580089149.